The following is an entry in ClinVar:

ClinVar aggregate classification (germline): Pathogenic/Likely pathogenic. Review status: criteria provided, multiple submitters, no conflicts (2 of 4 stars). 10 submissions from 10 submitters: Pathogenic (8); Likely pathogenic (1). 1 of the submissions does not count toward it. Last evaluated 2025-12-21.

Conditions:
Canavan Disease, Familial Form. Identifiers: MedGen C0751663.
Spongy degeneration of central nervous system. Also called: ASPA DEFICIENCY; ASPARTOACYLASE DEFICIENCY; ACY2 DEFICIENCY; AMINOACYLASE 2 DEFICIENCY; CANAVAN-VAN BOGAERT-BERTRAND DISEASE; ASP DEFICIENCY. Identifiers: Orphanet 141, MedGen C0206307, MONDO:0010079, OMIM 271900.

Allele frequency attached by ClinVar (database versions not stated): TOPMed 0.00002; gnomAD 0.00003 and 0.00004; gnomAD exomes 0.00001 and 0.00003; ExAC 0.00002.
gnomAD v4.1: 27 of 1,614,018 alleles (0.0017%); highest among the groups gnomAD compares: Middle Eastern, 0.033%; no homozygotes.

Submissions (10):

Labcorp Genetics (formerly Invitae), Labcorp
Classification: Pathogenic for Spongy degeneration of central nervous system. Last evaluated: 2025-12-21. Review status: criteria provided, single submitter. Criteria: Invitae Variant Classification Sherloc (09022015). Collection method: clinical testing. Allele origin: germline.
Comment: This sequence change replaces glycine, which is neutral and non-polar, with arginine, which is basic and polar, at codon 27 of the ASPA protein (p.Gly27Arg). This variant is present in population databases (rs766328537, gnomAD 0.02%). This missense change has been observed in individual(s) with Canavan disease (PMID: 8659549, 10909858, 12638939, 18978679, 22611636). In at least one individual the data is consistent with being in trans (on the opposite chromosome) from a pathogenic variant. ClinVar contains an entry for this variant (Variation ID: 188888). Invitae Evidence Modeling of protein sequence and biophysical properties (such as structural, functional, and spatial information, amino acid conservation, physicochemical variation, residue mobility, and thermodynamic stability) indicates that this missense variant is expected to disrupt ASPA protein function with a positive predictive value of 95%. Experimental studies have shown that this missense change affects ASPA function (PMID: 8659549). For these reasons, this variant has been classified as Pathogenic.

Natera, Inc.
Classification: Pathogenic for Canavan Disease. Last evaluated: 2025-11-17. Review status: criteria provided, single submitter. Criteria: Natera Variant Classification Schema (03/2026). Collection method: clinical testing. Allele origin: germline.
Comment: The c.79G>A variant in ASPA is a missense variant predicted to cause substitution of glycine to arginine at amino acid 27. This variant is rare in the general population with a frequency below the threshold expected for the associated phenotype(s). This variant has been observed in one or more individuals affected with the associated recessive disease, as either homozygous or compound heterozygous with a second variant (PMID: 18978679, 10909858, 8659549). Computational prediction algorithms indicate this variant is likely to affect gene or protein function. Given the available evidence, this variant is classified as Pathogenic.

Revvity Omics, Revvity
Classification: Pathogenic for Spongy degeneration of central nervous system. Last evaluated: 2025-05-29. Review status: criteria provided, single submitter. Criteria: ACMG Guidelines, 2015. Collection method: clinical testing. Allele origin: germline.

Fulgent Genetics
Classification: Pathogenic for Spongy degeneration of central nervous system. Last evaluated: 2024-06-08. Review status: criteria provided, single submitter. Criteria: ACMG Guidelines, 2015. Collection method: clinical testing. Allele origin: germline.

3billion
Classification: Pathogenic for Spongy degeneration of central nervous system. Last evaluated: 2023-12-07. Review status: criteria provided, single submitter. Criteria: ACMG Guidelines, 2015. Collection method: clinical testing. Allele origin: germline. Affected: yes.
Comment: The variant is observed at an extremely low frequency in the gnomAD v2.1.1 dataset (total allele frequency: 0.003%). Predicted Consequence/Location: Missense variant Functional studies provide strong evidence of the variant having a damaging effect on the gene or gene product (PMID: 8659549). In silico tool predictions suggest damaging effect of the variant on gene or gene product [REVEL: 0.98 (>=0.6, sensitivity 0.68 and specificity 0.92); 3Cnet: 0.83 (>=0.6, sensitivity 0.72 and precision 0.9)]. Same nucleotide change resulting in same amino acid change has been previously reported as pathogenic/likely pathogenic with strong evidence (ClinVar ID: VCV000188888 /PMID: 8659549). The variant has been reported to be in trans with a pathogenic variant as either compound heterozygous or homozygous in at least 2 similarly affected unrelated individuals (PMID: 10909858, 8659549). A different missense change at the same codon (p.Gly27Val) has been reported to be associated with ASPA related disorder (ClinVar ID: VCV001762000). Therefore, this variant is classified as Pathogenic according to the recommendation of ACMG/AMP guideline.

GeneDx
Classification: Pathogenic. Last evaluated: 2022-03-17. Review status: criteria provided, single submitter. Criteria: GeneDx Variant Classification Process June 2021. Collection method: clinical testing. Allele origin: germline. Affected: yes.
Comment: Expression studies found this variant is associated with 3% of residual enzyme activity compared to wild-type (Kaul et al., 1996); In silico analysis supports that this missense variant has a deleterious effect on protein structure/function; This variant is associated with the following publications: (PMID: 10407784, 23233226, 18978679, 22611636, 8659549, 12638939, 25668701, 10909858, 31589614)

Genome-Nilou Lab
Classification: Pathogenic for Spongy degeneration of central nervous system. Last evaluated: 2021-11-07. Review status: criteria provided, single submitter. Criteria: ACMG Guidelines, 2015. Collection method: clinical testing. Allele origin: germline. Affected: no.

SIB Swiss Institute of Bioinformatics
Classification: Likely pathogenic for Spongy degeneration of central nervous system. Last evaluated: 2018-05-31. Review status: criteria provided, single submitter. Criteria: ACMG Guidelines, 2015. Collection method: curation. Allele origin: unknown.
Comment: This variant is interpreted as a Likely Pathogenic, for Canavan disease, in Autosomal Recessive manner. The following ACMG Tag(s) were applied: PP3 => Multiple lines of computational evidence support a deleterious effect on the gene or gene product. PM2 => Absent from controls (or at extremely low frequency if recessive) in Exome Sequencing Project, 1000 Genomes Project, or Exome Aggregation Consortium. PS3 => Well-established functional studies show a deleterious effect (PMID:8659549).

Women's Health and Genetics/Laboratory Corporation of America, LabCorp
Classification: Pathogenic for Canavan Disease, Familial Form. Last evaluated: 2018-05-11. Review status: criteria provided, single submitter. Criteria: LabCorp Variant Classification Summary - May 2015. Collection method: clinical testing. Allele origin: germline.
Comment: Variant summary: ASPA c.79G>A (p.Gly27Arg) results in a non-conservative amino acid change in the encoded protein sequence. Five of five in-silico tools predict a damaging effect of the variant on protein function. The variant allele was found at a frequency of 2.9e-05 in 277212 control chromosomes. This frequency is not higher than expected for a pathogenic variant in ASPA causing Canavan Disease (2.9e-05 vs 0.0079), allowing no conclusion about variant significance. c.79G>A has been reported in the literature in multiple individuals affected with Canavan Disease as both a homozygous and compound heterozygous allele. It was also reported to co-segregate with family history in a recessive manner. These data indicate that the variant is very likely to be associated with disease. One publication reports experimental evidence evaluating enzyme activity in cell culture, which shows <10% of normal ASPA enzyme activity (Kaul_1996). One clinical diagnostic laboratory has submitted clinical-significance assessments for this variant to ClinVar after 2014 and classified the variant as pathogenic. Based on the evidence outlined above, the variant was classified as pathogenic.

Counsyl
Classification: Likely pathogenic for Spongy degeneration of central nervous system. Last evaluated: 2014-07-16. Review status: no assertion criteria provided. Collection method: literature only. Allele origin: unknown. Inheritance: Autosomal recessive inheritance. Not counted in ClinVar's aggregate classification.

Literature cited by the submitters: PubMed 8659549 (cited by 6 submitters); PubMed 10909858 (cited by 4 submitters); PubMed 12638939 (cited by 3 submitters); PubMed 18978679 (cited by 4 submitters); PubMed 22611636 (cited by Labcorp Genetics (formerly Invitae), Labcorp and Counsyl); PubMed 23233226 (cited by Counsyl); PubMed 10407784 (cited by Counsyl).

NM_000049.4(ASPA):c.79G>A (p.Gly27Arg)

Genes: ASPA (aspartoacylase; plus strand), SPATA22 (spermatogenesis associated 22; minus strand). Cytogenetic location: 17p13.2.
Variant type: single nucleotide variant.
Coding change: c.79G>A on transcript NM_000049.4 (MANE Select); coding-DNA position 79, G replaced by A.
Protein change: p.Gly27Arg; replaces glycine 27 with arginine.
Molecular consequence: missense variant. On other transcripts: intron variant (2).
Genome position (GRCh38, 1-based): chr17:3,476,238, G>A. VCF-style: chr17-3476238-G-A. GRCh37 (hg19) VCF-style: chr17-3379532-G-A.
Other names: NM_000049.2(ASPA):c.79G>A(p.Gly27Arg); NM_001128085.1(ASPA):c.79G>A(p.Gly27Arg); c.79G>A, p.Gly27Arg (NM_001128085.1); c.-73-6840C>T (NM_001321336.2, NM_001321337.2); short protein forms G27R.
Identifiers: ClinVar variation 188888 (VCV000188888.33), dbSNP rs766328537, ClinGen allele CA274084.